The following is an entry in ClinVar:

ClinVar aggregate classification (germline): Uncertain significance. Review status: criteria provided, multiple submitters, no conflicts (2 of 4 stars). 2 submissions from 2 submitters: Uncertain significance (2). Last evaluated 2025-05-16.

Conditions:
Autosomal recessive limb-girdle muscular dystrophy type 2A (LGMDR1). Also called: LEYDEN-MOEBIUS MUSCULAR DYSTROPHY; MUSCULAR DYSTROPHY, PELVOFEMORAL; Limb-girdle muscular dystrophy, type 2A; Calpainopathy; Muscular dystrophy, limb-girdle, type 2A, Amish. Identifiers: Orphanet 267, MedGen C1869123, MONDO:0009675, OMIM 253600. Disease mechanism: loss of function.
Autosomal recessive limb-girdle muscular dystrophy. Identifiers: Orphanet 102015, MedGen C2931907, MONDO:0015152.

Allele frequency attached by ClinVar (database versions not stated): gnomAD 0.00002; TOPMed 0.00004; ExAC 0.00005; 1000 Genomes Project 0.00020; 1000 Genomes Project 30x 0.00031.
gnomAD v4.1: 12 of 1,612,994 alleles (0.00074%); highest among the groups gnomAD compares: East Asian, 0.027%; no homozygotes.

Submissions (2):

Labcorp Genetics (formerly Invitae), Labcorp
Classification: Uncertain significance for Autosomal recessive limb-girdle muscular dystrophy type 2A. Last evaluated: 2025-05-16. Review status: criteria provided, single submitter. Criteria: Invitae Variant Classification Sherloc (09022015). Collection method: clinical testing. Allele origin: germline.
Comment: This sequence change replaces cysteine, which is neutral and slightly polar, with serine, which is neutral and polar, at codon 106 of the CAPN3 protein (p.Cys106Ser). This variant is present in population databases (rs202008742, gnomAD 0.1%). This variant has not been reported in the literature in individuals affected with CAPN3-related conditions. ClinVar contains an entry for this variant (Variation ID: 2198962). Invitae Evidence Modeling of protein sequence and biophysical properties (such as structural, functional, and spatial information, amino acid conservation, physicochemical variation, residue mobility, and thermodynamic stability) indicates that this missense variant is not expected to disrupt CAPN3 protein function with a negative predictive value of 80%. In summary, the available evidence is currently insufficient to determine the role of this variant in disease. Therefore, it has been classified as a Variant of Uncertain Significance.

Department of Pathology and Laboratory Medicine, Sinai Health System
Classification: Uncertain significance for autosomal recessive limb-girdle muscular dystrophy. Last evaluated: 2021-11-10. Review status: criteria provided, single submitter. Criteria: ACMG Guidelines, 2015. Collection method: research. Allele origin: germline.

NM_000070.3(CAPN3):c.317G>C (p.Cys106Ser)

Gene: CAPN3 (calpain 3; plus strand). Cytogenetic location: 15q15.1.
Variant type: single nucleotide variant.
Coding change: c.317G>C on transcript NM_000070.3 (MANE Select); coding-DNA position 317, G replaced by C.
Protein change: p.Cys106Ser; replaces cysteine 106 with serine.
Molecular consequence: missense variant.
Genome position (GRCh38, 1-based): chr15:42,384,490, G>C. VCF-style: chr15-42384490-G-C. GRCh37 (hg19) VCF-style: chr15-42676688-G-C.
Other names: c.317G>C, p.Cys106Ser (NM_024344.2, NM_173087.2); c.56G>C, p.Cys19Ser (NM_212464.2, NM_212467.2); short protein forms C106S, C19S.
Identifiers: ClinVar variation 2198962 (VCV002198962.3), dbSNP rs202008742, ClinGen allele CA7510916.